The following is an entry in ClinVar:

NM_001927.4(DES):c.254_255insT (p.Gly86fs)

Gene: DES (desmin; plus strand). Cytogenetic location: 2q35.
Variant type: Insertion.
Coding change: c.254_255insT on transcript NM_001927.4 (MANE Select); coding-DNA positions 254 to 255, T inserted.
Protein change: p.Gly86fs; shifts the reading frame from glycine 86.
Molecular consequence: frameshift variant.
Genome position: GRCh38 VCF-style: chr2-219418716-C-CT. GRCh37 (hg19) VCF-style: chr2-220283438-C-CT.
Other names: short protein forms G86fs.
Identifiers: ClinVar variation 836891 (VCV000836891.10), dbSNP rs1273708097, ClinGen allele CA764964187.

ClinVar aggregate classification (germline): Pathogenic/Likely pathogenic. Review status: criteria provided, multiple submitters, no conflicts (2 of 4 stars). 2 submissions from 2 submitters: Pathogenic (1); Likely pathogenic (1). Last evaluated 2021-12-31.

Conditions:
Desmin-related myofibrillar myopathy (MFM1). Also called: MYOFIBRILLAR MYOPATHY WITH ARRHYTHMOGENIC RIGHT VENTRICULAR CARDIOMYOPATHY; DESMIN-RELATED MYOPATHY WITH ARRHYTHMOGENIC RIGHT VENTRICULAR CARDIOMYOPATHY; Desminopathy; Desmin related myopathy (former name); Desmin storage myopathy (former name); Myofibrillar myopathy 1. Identifiers: Orphanet 363543, Orphanet 98909, MedGen C1832370, MONDO:0011076, OMIM 601419.

Allele frequency attached by ClinVar (database versions not stated): gnomAD exomes below 0.00001; TOPMed below 0.00001; gnomAD 0.00001.

Submissions (2):

AiLife Diagnostics
Classification: Likely pathogenic. Last evaluated: 2021-12-31. Review status: criteria provided, single submitter. Criteria: ACMG Guidelines, 2015. Collection method: clinical testing. Allele origin: germline. Affected: yes. Observed: 1 variant allele.

Labcorp Genetics (formerly Invitae), Labcorp
Classification: Pathogenic for Desmin-related myofibrillar myopathy. Last evaluated: 2019-06-05. Review status: criteria provided, single submitter. Criteria: Invitae Variant Classification Sherloc (09022015). Collection method: clinical testing. Allele origin: germline.
Comment: For these reasons, this variant has been classified as Pathogenic. Loss-of-function variants in DES are known to be pathogenic (PMID: 23575897). This variant has not been reported in the literature in individuals with DES-related conditions. This variant is not present in population databases (ExAC no frequency). This sequence change creates a premature translational stop signal (p.Gly86Argfs*32) in the DES gene. It is expected to result in an absent or disrupted protein product.

Literature cited by the submitters: PubMed 23575897 (cited by Labcorp Genetics (formerly Invitae), Labcorp).